The following is an entry in ClinVar:

NM_001364905.1(LRBA):c.1788G>A (p.Thr596=)

Gene: LRBA (LPS responsive beige-like anchor protein; minus strand). Cytogenetic location: 4q31.3.
Variant type: single nucleotide variant.
Coding change: c.1788G>A on transcript NM_001364905.1 (MANE Select); coding-DNA position 1788, G replaced by A.
Protein change: p.Thr596=; no amino-acid change (threonine 596 retained).
Molecular consequence: synonymous variant.
Genome position (GRCh38, 1-based): chr4:150,900,185, C>T on the plus strand (G>A on the coding strand, the complement: LRBA is on the minus strand). VCF-style: chr4-150900185-C-T. GRCh37 (hg19) VCF-style: chr4-151821337-C-T.
Other names: c.1788G>A, p.Thr596= (NM_001199282.3, NM_001367550.1, NM_006726.5).
Identifiers: ClinVar variation 2078907 (VCV002078907.1), dbSNP rs771544628, ClinGen allele CA3103469.

ClinVar aggregate classification (germline): Uncertain significance (1 of 4 stars; one submission).

Conditions:
Combined immunodeficiency due to LRBA deficiency. Also called: Common variable immunodeficiency 8, with autoimmunity. Identifiers: Orphanet 445018, MedGen C3553512, MONDO:0013863, OMIM 614700.

Allele frequency attached by ClinVar (database versions not stated): gnomAD exomes below 0.00001; ExAC 0.00001; TOPMed 0.00001.
gnomAD v4.1: 4 of 1,612,916 alleles (0.00025%); highest among the groups gnomAD compares: Admixed American, 0.0017%; no homozygotes.

Submission:

Labcorp Genetics (formerly Invitae), Labcorp
Classification: Uncertain significance for Combined immunodeficiency due to LRBA deficiency. Last evaluated: 2022-04-17. Review status: criteria provided, single submitter. Criteria: Invitae Variant Classification Sherloc (09022015). Collection method: clinical testing. Allele origin: germline.
Comment: This sequence change affects codon 596 of the LRBA mRNA. It is a 'silent' change, meaning that it does not change the encoded amino acid sequence of the LRBA protein. This variant is present in population databases (rs771544628, gnomAD 0.003%). This variant has not been reported in the literature in individuals affected with LRBA-related conditions. Algorithms developed to predict the effect of sequence changes on RNA splicing suggest that this variant may disrupt the consensus splice site. In summary, the available evidence is currently insufficient to determine the role of this variant in disease. Therefore, it has been classified as a Variant of Uncertain Significance.